The following is an entry in ClinVar:

NM_001276270.2(MBD4):c.335+4A>G

Gene: MBD4 (methyl-CpG binding domain 4, DNA glycosylase; minus strand). Cytogenetic location: 3q21.3.
Variant type: single nucleotide variant.
Coding change: c.335+4A>G on transcript NM_001276270.2 (MANE Select); 4 bases into the intron after coding-DNA position 335, A replaced by G.
Molecular consequence: intron variant.
Genome position (GRCh38, 1-based): chr3:129,437,716, T>C on the plus strand (A>G on the coding strand, the complement: MBD4 is on the minus strand). VCF-style: chr3-129437716-T-C. GRCh37 (hg19) VCF-style: chr3-129156559-T-C.
Other names: c.247+92A>G (NM_001276273.2); c.335+4A>G (NM_001276272.2, NM_003925.3, NM_001276271.2).
Identifiers: ClinVar variation 4624420 (VCV004624420.1).
Genomic context (GRCh38, chr3:129,437,716, plus strand): 5'-GCTCCCACTACCTGCCCAGACAAAATCATTTGGCTGTACTATCTTTACCATCTTATATGC[T>C]TACCTGATAAAGTACACATCAAATCTTCCTGCTGTCTTCCCAAATAACCTTTGCTTCACA-3'

ClinVar aggregate classification (germline): Uncertain significance (1 of 4 stars; one submission).

Conditions:
Inborn genetic diseases. Identifiers: MedGen C0950123, MeSH D030342.

Submission:

Ambry Genetics
Classification: Uncertain significance for Inborn genetic diseases. Last evaluated: 2025-11-18. Review status: criteria provided, single submitter. Criteria: Ambry Variant Classification Scheme 2023. Collection method: clinical testing. Allele origin: germline.
Comment: The c.335+4A>G intronic variant results from an A to G substitution 4 nucleotides after coding exon 2 in the MBD4 gene. This nucleotide position is highly conserved in available vertebrate species. In silico splice site analysis predicts that this alteration may weaken the native splice donor site. Based on the available evidence, the clinical significance of this variant remains unclear.